The following is an entry in ClinVar:

NM_015443.4(KANSL1):c.1796G>A (p.Cys599Tyr)

Gene: KANSL1 (KAT8 regulatory NSL complex subunit 1). Cytogenetic location: 17q21.31.
Variant type: single nucleotide variant.
Coding change: c.1796G>A on transcript NM_015443.4 (MANE Select); coding-DNA position 1796, G replaced by A.
Protein change: p.Cys599Tyr; replaces cysteine 599 with tyrosine.
Molecular consequence: missense variant.
Genome position (GRCh38, 1-based): chr17:46,066,589, C>T on the plus strand (G>A on the coding strand, the complement: KANSL1 is on the minus strand). VCF-style: chr17-46066589-C-T. GRCh37 (hg19) VCF-style: chr17-44143955-C-T.
Other names: c.1796G>A, p.Cys599Tyr (NM_001405856.1, NM_001405857.1, NM_001405858.1 and 14 more transcripts); c.1694G>A, p.Cys565Tyr (NM_001405859.1, NM_001405860.1, NM_001405861.1 and 1 more transcripts); c.530G>A, p.Cys177Tyr (NM_001405885.1, NM_001405882.1, NM_001405883.1 and 1 more transcripts); short protein forms C599Y, C177Y, C565Y.
Identifiers: ClinVar variation 2764240 (VCV002764240.3), dbSNP rs780639063, ClinGen allele CA8618730.

ClinVar aggregate classification (germline): Uncertain significance (1 of 4 stars; one submission).

Conditions:
Koolen-de Vries syndrome (KDVS). Identifiers: Orphanet 96169, MedGen C1864871, MONDO:0012496, OMIM 610443.

Allele frequency attached by ClinVar (database versions not stated): gnomAD exomes below 0.00001; TOPMed below 0.00001; ExAC 0.00001.
gnomAD v4.1: 1 of 1,613,768 alleles (0.000062%); highest among the groups gnomAD compares: South Asian, 0.0011%; no homozygotes.

Submission:

Labcorp Genetics (formerly Invitae), Labcorp
Classification: Uncertain significance for Koolen-de Vries syndrome. Last evaluated: 2023-09-29. Review status: criteria provided, single submitter. Criteria: Invitae Variant Classification Sherloc (09022015). Collection method: clinical testing. Allele origin: germline.
Comment: This sequence change replaces cysteine, which is neutral and slightly polar, with tyrosine, which is neutral and polar, at codon 599 of the KANSL1 protein (p.Cys599Tyr). This variant is present in population databases (rs780639063, gnomAD 0.003%). In summary, the available evidence is currently insufficient to determine the role of this variant in disease. Therefore, it has been classified as a Variant of Uncertain Significance. Advanced modeling of protein sequence and biophysical properties (such as structural, functional, and spatial information, amino acid conservation, physicochemical variation, residue mobility, and thermodynamic stability) performed at Invitae indicates that this missense variant is not expected to disrupt KANSL1 protein function. This variant has not been reported in the literature in individuals affected with KANSL1-related conditions.